The following is an entry in ClinVar:

ClinVar aggregate classification (germline): Uncertain significance (1 of 4 stars; one submission).

Allele frequency attached by ClinVar (database versions not stated): gnomAD 0.00003; gnomAD exomes 0.00001; TOPMed 0.00004.
gnomAD v4.1: 14 of 1,612,988 alleles (0.00087%); highest among the groups gnomAD compares: Admixed American, 0.015%; no homozygotes.

Submission:

GeneDx
Classification: Uncertain significance. Last evaluated: 2025-06-12. Review status: criteria provided, single submitter. Criteria: GeneDx Variant Classification Process June 2021. Collection method: clinical testing. Allele origin: germline.
Comment: In silico analysis suggests that this missense variant does not alter protein structure/function; Has not been previously published as pathogenic or benign to our knowledge

NM_001039141.3(TRIOBP):c.6274G>A (p.Ala2092Thr)

Gene: TRIOBP (TRIO and F-actin binding protein; plus strand). Cytogenetic location: 22q13.1.
Variant type: single nucleotide variant.
Coding change: c.6274G>A on transcript NM_001039141.3 (MANE Select); coding-DNA position 6274, G replaced by A.
Protein change: p.Ala2092Thr; replaces alanine 2092 with threonine.
Molecular consequence: missense variant.
Genome position (GRCh38, 1-based): chr22:37,759,214, G>A. VCF-style: chr22-37759214-G-A. GRCh37 (hg19) VCF-style: chr22-38155221-G-A.
Other names: c.1135G>A, p.Ala379Thr (NM_007032.5, NM_138632.2); short protein forms A2092T, A379T.
Identifiers: ClinVar variation 1703420 (VCV001703420.3), dbSNP rs374128038, ClinGen allele CA324162037.
Genomic context (GRCh38, chr22:37,759,214, plus strand): 5'-GTTCAGGCTCTTCGGGCCCAGCTGGAGGCGTGGCGTCTCCAAGGGGAGGCTCCTCAGAGT[G>A]CACTGAGATCCCAGGAGGATGGCCACATCCCCCCGGGCTACATCTCACAGGTAAGGCCGG-3'
Protein context (NP_001034230.1, residues 2082-2102): WRLQGEAPQS[Ala2092Thr]LRSQEDGHIP